The following is an entry in ClinVar:

ClinVar aggregate classification (germline): Uncertain significance. Review status: criteria provided, multiple submitters, no conflicts (2 of 4 stars). 2 submissions from 2 submitters: Uncertain significance (2). Last evaluated 2022-07-14.

Conditions:
Meckel-Gruber syndrome. Also called: DYSENCEPHALIA SPLANCHNOCYSTICA; GRUBER SYNDROME; Dysencephalia splachnocystica. Identifiers: Orphanet 564, MedGen C0265215, MONDO:0018921.
Joubert syndrome. Also called: JOUBERT-BOLTSHAUSER SYNDROME; Familial aplasia of the vermis. Identifiers: Orphanet 475, MedGen C5979921, MONDO:0018772.

Submissions (2):

Labcorp Genetics (formerly Invitae), Labcorp
Classification: Uncertain significance for Joubert syndrome; Meckel-Gruber syndrome. Last evaluated: 2022-07-14. Review status: criteria provided, single submitter. Criteria: Invitae Variant Classification Sherloc (09022015). Collection method: clinical testing. Allele origin: germline.
Comment: Advanced modeling of protein sequence and biophysical properties (such as structural, functional, and spatial information, amino acid conservation, physicochemical variation, residue mobility, and thermodynamic stability) performed at Invitae indicates that this missense variant is expected to disrupt CC2D2A protein function. In summary, the available evidence is currently insufficient to determine the role of this variant in disease. Therefore, it has been classified as a Variant of Uncertain Significance. This sequence change replaces leucine, which is neutral and non-polar, with phenylalanine, which is neutral and non-polar, at codon 913 of the CC2D2A protein (p.Leu913Phe). This variant is not present in population databases (gnomAD no frequency). This variant has not been reported in the literature in individuals affected with CC2D2A-related conditions.

GeneDx
Classification: Uncertain significance. Last evaluated: 2022-04-19. Review status: criteria provided, single submitter. Criteria: GeneDx Variant Classification Process June 2021. Collection method: clinical testing. Allele origin: germline. Affected: yes.
Comment: Not observed at significant frequency in large population cohorts (gnomAD); In silico analysis supports that this missense variant has a deleterious effect on protein structure/function; Has not been previously published as pathogenic or benign to our knowledge

NM_001378615.1(CC2D2A):c.2737C>T (p.Leu913Phe)

Genes: CC2D2A (coiled-coil and C2 domain containing 2A; plus strand), FBXL5 (F-box and leucine rich repeat protein 5; minus strand). Cytogenetic location: 4p15.32.
Variant type: single nucleotide variant.
Coding change: c.2737C>T on transcript NM_001378615.1 (MANE Select); coding-DNA position 2737, C replaced by T.
Protein change: p.Leu913Phe; replaces leucine 913 with phenylalanine.
Molecular consequence: missense variant.
Genome position (GRCh38, 1-based): chr4:15,557,415, C>T. VCF-style: chr4-15557415-C-T. GRCh37 (hg19) VCF-style: chr4-15559038-C-T.
Other names: c.2737C>T, p.Leu913Phe (NM_001080522.2); c.2590C>T, p.Leu864Phe (NM_001378617.1); short protein forms L864F, L913F.
Identifiers: ClinVar variation 1712035 (VCV001712035.7), dbSNP rs1049058446, ClinGen allele CA92510700.